The following is an entry in ClinVar:

NM_000059.4(BRCA2):c.293T>G (p.Leu98Ter)

Gene: BRCA2 (BRCA2 DNA repair associated; plus strand). Cytogenetic location: 13q13.1.
Variant type: single nucleotide variant.
Coding change: c.293T>G on transcript NM_000059.4 (MANE Select); coding-DNA position 293, T replaced by G.
Protein change: p.Leu98Ter; replaces leucine 98 with a stop codon.
Molecular consequence: nonsense.
Genome position (GRCh38, 1-based): chr13:32,319,302, T>G. VCF-style: chr13-32319302-T-G. GRCh37 (hg19) VCF-style: chr13-32893439-T-G.
Other names: short protein forms L98*.
Identifiers: ClinVar variation 427238 (VCV000427238.1), dbSNP rs1085308035, ClinGen allele CA387754645.

ClinVar aggregate classification (germline): Pathogenic. Review status: reviewed by expert panel (3 of 4 stars). 2 submissions from 2 submitters: Pathogenic (1). 1 of the submissions does not count toward it. Last evaluated 2017-12-15.

Conditions:
Breast-ovarian cancer, familial, susceptibility to, 2 (BROVCA2). Also called: BRCA2 Hereditary Breast and Ovarian Cancer. Identifiers: Orphanet 145, MedGen C2675520, MONDO:0012933, OMIM 612555. Disease mechanism: loss of function.

Submissions (2):

Evidence-based Network for the Interpretation of Germline Mutant Alleles (ENIGMA)
Classification: Pathogenic for Breast-ovarian cancer, familial, susceptibility to, 2. Last evaluated: 2017-12-15. Review status: reviewed by expert panel. Criteria: ENIGMA BRCA1/2 Classification Criteria (2017-06-29). Collection method: curation. Allele origin: germline. Study: ENIGMA.
Comment: Variant allele predicted to encode a truncated non-functional protein.

Genologica Medica
Classification: Pathogenic for Breast-ovarian cancer, familial, susceptibility to, 2. Last evaluated: 2017-01-01. Review status: criteria provided, single submitter. Criteria: ACMG Guidelines, 2015. Collection method: clinical testing. Allele origin: germline. Affected: yes. Not counted in ClinVar's aggregate classification.